The following is an entry in ClinVar:

NM_004924.6(ACTN4):c.2674G>A (p.Val892Met)

Gene: ACTN4 (actinin alpha 4; plus strand). Cytogenetic location: 19q13.2.
Variant type: single nucleotide variant.
Coding change: c.2674G>A on transcript NM_004924.6 (MANE Select); coding-DNA position 2674, G replaced by A.
Protein change: p.Val892Met; replaces valine 892 with methionine.
Molecular consequence: missense variant.
Genome position (GRCh38, 1-based): chr19:38,729,370, G>A. VCF-style: chr19-38729370-G-A. GRCh37 (hg19) VCF-style: chr19-39220010-G-A.
Other names: c.2659G>A, p.Val887Met (NM_001322033.2); c.2674G>A (NM_004924.4); short protein forms V887M, V892M.
Identifiers: ClinVar variation 1348915 (VCV001348915.7), dbSNP rs144140192, ClinGen allele CA9418136.
Genomic context (GRCh38, chr19:38,729,370, plus strand): 5'-CCCCCCGACCAGGCCGAGTACTGCATCGCCCGCATGGCGCCATACCAGGGCCCTGACGCC[G>A]TGCCCGGTGCCCTCGACTACAAGTCCTTCTCCACGGCCTTGTATGGCGAGAGCGACCTGT-3'
Protein context (NP_004915.2, residues 882-902): RMAPYQGPDA[Val892Met]PGALDYKSFS

ClinVar aggregate classification (germline): Conflicting classifications of pathogenicity. Review status: criteria provided, conflicting classifications (1 of 4 stars). 2 submissions from 2 submitters: Uncertain significance (1); Likely benign (1). Last evaluated 2025-12-04.

Conditions:
Inborn genetic diseases. Identifiers: MedGen C0950123, MeSH D030342.

Allele frequency attached by ClinVar (database versions not stated): TOPMed below 0.00001; ExAC 0.00001; gnomAD 0.00001; gnomAD exomes 0.00001 and 0.00003; ESP Exome Variant Server 0.00008.
gnomAD v4.1: 17 of 1,612,544 alleles (0.0011%); highest among the groups gnomAD compares: East Asian, 0.0067%; no homozygotes.

Submissions (2):

Ambry Genetics
Classification: Likely benign for Inborn genetic diseases. Last evaluated: 2025-12-04. Review status: criteria provided, single submitter. Criteria: Ambry Variant Classification Scheme 2023. Collection method: clinical testing. Allele origin: germline.

Labcorp Genetics (formerly Invitae), Labcorp
Classification: Uncertain significance. Last evaluated: 2025-10-22. Review status: criteria provided, single submitter. Criteria: Invitae Variant Classification Sherloc (09022015). Collection method: clinical testing. Allele origin: germline.
Comment: This sequence change replaces valine, which is neutral and non-polar, with methionine, which is neutral and non-polar, at codon 892 of the ACTN4 protein (p.Val892Met). This variant is present in population databases (rs144140192, gnomAD 0.007%). This variant has not been reported in the literature in individuals affected with ACTN4-related conditions. ClinVar contains an entry for this variant (Variation ID: 1348915). An algorithm developed to predict the effect of missense changes on protein structure and function outputs the following: PolyPhen-2: "Benign". The methionine amino acid residue is found in multiple mammalian species, which suggests that this missense change does not adversely affect protein function. In summary, the available evidence is currently insufficient to determine the role of this variant in disease. Therefore, it has been classified as a Variant of Uncertain Significance.